The following is an entry in ClinVar:

NM_000069.3(CACNA1S):c.3667-4G>A

Gene: CACNA1S (calcium voltage-gated channel subunit alpha1 S; minus strand). Cytogenetic location: 1q32.1.
Variant type: single nucleotide variant.
Coding change: c.3667-4G>A on transcript NM_000069.3 (MANE Select); 4 bases into the intron before coding-DNA position 3667, G replaced by A.
Molecular consequence: intron variant.
Genome position (GRCh38, 1-based): chr1:201,053,591, C>T on the plus strand (G>A on the coding strand, the complement: CACNA1S is on the minus strand). VCF-style: chr1-201053591-C-T. GRCh37 (hg19) VCF-style: chr1-201022719-C-T.
Identifiers: ClinVar variation 509886 (VCV000509886.14), dbSNP rs762497596, ClinGen allele CA082733.
Genomic context (GRCh38, chr1:201,053,591, plus strand): 5'-CATGACACGGAACAGGCGGAAGAAGGCGCTGGAGATGCGGGCACTCTCATCTGGGTCCTG[C>T]GGGGCAGCAGCCCCAGAGGTCAGTCTGGGGGCAGAACCTCAGAGGGGTAAGGGGCAGGGC-3'

ClinVar aggregate classification (germline): Likely benign. Review status: criteria provided, multiple submitters, no conflicts (2 of 4 stars). 7 submissions from 4 submitters: Likely benign (7). Last evaluated 2023-12-13.

Conditions:
Malignant hyperthermia, susceptibility to, 5 (MHS5). Also called: CACNA1S-Related Malignant Hyperthermia Susceptibility. Identifiers: Orphanet 423, MedGen C1866077, MONDO:0011163, OMIM 601887.
Hypokalemic periodic paralysis, type 1. Also called: HypoPP; Hypokalemic Periodic Paralysis Type 1 (AD). Identifiers: Orphanet 681, MedGen C3714580, MONDO:0042979, OMIM 170400.
Thyrotoxic periodic paralysis, susceptibility to, 1 (TTPP1). Identifiers: Orphanet 79102, MedGen C2749982, MONDO:0008570, OMIM 188580.
Congenital myopathy 18. Also called: Myopathy, congenital, due to dihydropyridine receptor defect; DIHYDROPYRIDINE RECEPTOR CONGENITAL MYOPATHY; DHPR CONGENITAL MYOPATHY. Identifiers: MedGen C5830283, MONDO:0859514, OMIM 620246.

Allele frequency attached by ClinVar (database versions not stated): ExAC 0.00001; gnomAD exomes 0.00001; TOPMed 0.00002.
gnomAD v4.1: 21 of 1,566,122 alleles (0.0013%); highest among the groups gnomAD compares: South Asian, 0.0055%; no homozygotes.

Submissions (7):

All of Us Research Program, National Institutes of Health
Classification: Likely benign for Malignant hyperthermia, susceptibility to, 5. Last evaluated: 2023-12-13. Review status: criteria provided, single submitter. Criteria: ACMG Guidelines, 2015. Collection method: clinical testing. Allele origin: germline. Inheritance: Autosomal dominant inheritance. Observed: 3 variant alleles, 3 heterozygotes.
Comment: This study involves interpretation of variants in research participants for the purpose of population health screening. Participant phenotype was not available at the time of variant classification. Additional details can be found in publication PMID: 35346344, PMCID: PMC8962531

Genome-Nilou Lab
Classification: Likely benign for Malignant hyperthermia, susceptibility to, 5. Last evaluated: 2023-04-11. Review status: criteria provided, single submitter. Criteria: ACMG Guidelines, 2015. Collection method: clinical testing. Allele origin: germline. Affected: no.

Genome-Nilou Lab
Classification: Likely benign for Thyrotoxic periodic paralysis, susceptibility to, 1. Last evaluated: 2023-04-11. Review status: criteria provided, single submitter. Criteria: ACMG Guidelines, 2015. Collection method: clinical testing. Allele origin: germline. Affected: no.

Genome-Nilou Lab
Classification: Likely benign for Congenital myopathy 18. Last evaluated: 2023-04-11. Review status: criteria provided, single submitter. Criteria: ACMG Guidelines, 2015. Collection method: clinical testing. Allele origin: germline. Affected: no.

Genome-Nilou Lab
Classification: Likely benign for Hypokalemic periodic paralysis, type 1. Last evaluated: 2023-04-11. Review status: criteria provided, single submitter. Criteria: ACMG Guidelines, 2015. Collection method: clinical testing. Allele origin: germline. Affected: no.

Labcorp Genetics (formerly Invitae), Labcorp
Classification: Likely benign for Hypokalemic periodic paralysis, type 1; Malignant hyperthermia, susceptibility to, 5. Last evaluated: 2021-08-30. Review status: criteria provided, single submitter. Criteria: Invitae Variant Classification Sherloc (09022015). Collection method: clinical testing. Allele origin: germline.

GeneDx
Classification: Likely benign. Last evaluated: 2018-06-20. Review status: criteria provided, single submitter. Criteria: GeneDx Variant Classification Process June 2021. Collection method: clinical testing. Allele origin: germline. Affected: yes.